The following is an entry in ClinVar:

ClinVar aggregate classification (germline): Uncertain significance (1 of 4 stars; one submission).

Conditions:
Cataract 38. Also called: Cataract 38, autosomal recessive; Cataract, autosomal recessive congenital 5. Identifiers: Orphanet 91492, MedGen C3553494, MONDO:0013859, OMIM 614691.
Sengers syndrome. Also called: MITOCHONDRIAL DNA DEPLETION SYNDROME 10 (CARDIOMYOPATHIC TYPE); Cardiomyopathy and cataract. Identifiers: Orphanet 1369, MedGen C1859317, MONDO:0008922, OMIM 212350.

Submission:

Labcorp Genetics (formerly Invitae), Labcorp
Classification: Uncertain significance for Sengers syndrome; Cataract 38. Last evaluated: 2022-07-25. Review status: criteria provided, single submitter. Criteria: Invitae Variant Classification Sherloc (09022015). Collection method: clinical testing. Allele origin: germline.
Comment: A copy number gain of the genomic region encompassing the full coding sequence of the AGK gene has been identified. The boundaries of this event are unknown as they extend beyond the assayed region for this gene and therefore may encompass additional genes. As the precise location of this event is unknown, it may be in tandem or it may be located elsewhere in the genome. This variant has not been reported in the literature in individuals affected with AGK-related conditions. In summary, the available evidence is currently insufficient to determine the role of this variant in disease. Therefore, it has been classified as a Variant of Uncertain Significance.

NC_000007.13:g.(?_141255267)_(141352724_?)dup

Gene: AGK (acylglycerol kinase; plus strand). Cytogenetic location: 7q34.
Variant type: Duplication.
Identifiers: ClinVar variation 2426459 (VCV002426459.4).